The following is an entry in ClinVar:

NM_004183.4(BEST1):c.1550C>G (p.Ser517Ter)

Gene: BEST1 (bestrophin 1; plus strand). Cytogenetic location: 11q12.3.
Variant type: single nucleotide variant.
Coding change: c.1550C>G on transcript NM_004183.4 (MANE Select); coding-DNA position 1550, C replaced by G.
Protein change: p.Ser517Ter; replaces serine 517 with a stop codon.
Molecular consequence: nonsense. On other transcripts: non-coding transcript variant (1).
Genome position (GRCh38, 1-based): chr11:61,962,704, C>G. VCF-style: chr11-61962704-C-G. GRCh37 (hg19) VCF-style: chr11-61730176-C-G.
Other names: c.1370C>G, p.Ser457Ter (NM_001139443.3, NM_001300787.2); c.1289C>G, p.Ser430Ter (NM_001300786.2); c.1232C>G, p.Ser411Ter (NM_001363591.3); c.*445C>G (NM_001363592.2); c.578C>G, p.Ser193Ter (NM_001363593.3); short protein forms S411*, S457*, S517*, S193*, S430*.
Identifiers: ClinVar variation 866481 (VCV000866481.6), dbSNP rs762398929, ClinGen allele CA6041079.
Genomic context (GRCh38, chr11:61,962,704, plus strand): 5'-CCAAAGACAAAAGCTTAAAGACTGTGAGTTCTGGGGCCAAGAAAAGTTTTGAATTGCTCT[C>G]AGAGAGCGATGGGGCCTTGATGGAGCACCCAGAAGTATCTCAAGTGAGGAGGAAAACTGT-3'

ClinVar aggregate classification (germline): Pathogenic. Review status: criteria provided, multiple submitters, no conflicts (2 of 4 stars). 3 submissions from 3 submitters: Pathogenic (3). Last evaluated 2024-12-05.

Conditions:
BEST1-related disorder. Also called: BEST1-related condition; BEST1-related disorders. Identifiers: MedGen CN239200.

Allele frequency attached by ClinVar (database versions not stated): TOPMed below 0.00001; gnomAD exomes 0.00001 and 0.00002; ExAC 0.00002.
gnomAD v4.1: 18 of 1,614,198 alleles (0.0011%); highest among the groups gnomAD compares: Admixed American, 0.0017%; no homozygotes.

Submissions (3):

GeneDx
Classification: Pathogenic. Last evaluated: 2024-12-05. Review status: criteria provided, single submitter. Criteria: GeneDx Variant Classification Process June 2021. Collection method: clinical testing. Allele origin: germline. Affected: yes.
Comment: Nonsense variant predicted to result in protein truncation or nonsense mediated decay in a gene for which loss of function is a known mechanism of disease; This variant is associated with the following publications: (PMID: 35119454, 28056057, 32147488, 31254423)

Revvity Omics, Revvity
Classification: Pathogenic. Last evaluated: 2023-01-27. Review status: criteria provided, single submitter. Criteria: ACMG Guidelines, 2015. Collection method: clinical testing. Allele origin: germline.

Blueprint Genetics
Classification: Pathogenic for BEST1-related disorders. Last evaluated: 2022-04-02. Review status: criteria provided, single submitter. Criteria: ACMG Guidelines, 2015. Collection method: clinical testing. Allele origin: germline. Affected: yes. Observed: 5 variant alleles.